The following is an entry in ClinVar:

NM_020366.4(RPGRIP1):c.529T>C (p.Phe177Leu)

Gene: RPGRIP1 (RPGR interacting protein 1; plus strand). Cytogenetic location: 14q11.2.
Variant type: single nucleotide variant.
Coding change: c.529T>C on transcript NM_020366.4 (MANE Select); coding-DNA position 529, T replaced by C.
Protein change: p.Phe177Leu; replaces phenylalanine 177 with leucine.
Molecular consequence: missense variant.
Genome position (GRCh38, 1-based): chr14:21,302,526, T>C. VCF-style: chr14-21302526-T-C. GRCh37 (hg19) VCF-style: chr14-21770685-T-C.
Other names: short protein forms F177L.
Identifiers: ClinVar variation 1017592 (VCV001017592.8), dbSNP rs1881077815, ClinGen allele CA388860064.

ClinVar aggregate classification (germline): Uncertain significance (1 of 4 stars; one submission).

Conditions:
Leber congenital amaurosis 6 (LCA6). Identifiers: Orphanet 65, MedGen C1854260, MONDO:0013446, OMIM 613826.
Cone-rod dystrophy 13 (CORD13). Identifiers: Orphanet 1872, MedGen C2750720, MONDO:0011987, OMIM 608194.

Allele frequency attached by ClinVar (database versions not stated): gnomAD exomes below 0.00001.
gnomAD v4.1: 2 of 1,590,996 alleles (0.00013%); highest among the groups gnomAD compares: Non-Finnish European, 0.00017%; no homozygotes.

Submission:

Labcorp Genetics (formerly Invitae), Labcorp
Classification: Uncertain significance for Leber congenital amaurosis 6; Cone-rod dystrophy 13. Last evaluated: 2024-02-23. Review status: criteria provided, single submitter. Criteria: Invitae Variant Classification Sherloc (09022015). Collection method: clinical testing. Allele origin: germline.
Comment: This sequence change replaces phenylalanine, which is neutral and non-polar, with leucine, which is neutral and non-polar, at codon 177 of the RPGRIP1 protein (p.Phe177Leu). This variant is not present in population databases (gnomAD no frequency). This variant has not been reported in the literature in individuals affected with RPGRIP1-related conditions. ClinVar contains an entry for this variant (Variation ID: 1017592). Advanced modeling of protein sequence and biophysical properties (such as structural, functional, and spatial information, amino acid conservation, physicochemical variation, residue mobility, and thermodynamic stability) performed at Invitae indicates that this missense variant is not expected to disrupt RPGRIP1 protein function with a negative predictive value of 80%. In summary, the available evidence is currently insufficient to determine the role of this variant in disease. Therefore, it has been classified as a Variant of Uncertain Significance.